The following is an entry in ClinVar:

ClinVar aggregate classification (germline): Uncertain significance (1 of 4 stars; one submission).

gnomAD v4.1: 1 of 1,612,402 alleles (0.000062%); highest among the groups gnomAD compares: Non-Finnish European, 0.000085%; no homozygotes.

Submission:

CeGaT Center for Human Genetics Tuebingen
Classification: Uncertain significance. Last evaluated: 2026-06-01. Review status: criteria provided, single submitter. Criteria: CeGaT Center For Human Genetics Tuebingen Variant Classification Criteria Version 2. Collection method: clinical testing. Allele origin: germline. Affected: yes. Observed: 1 variant allele.
Comment: ADNP: PM2, BP4

NM_001282531.3(ADNP):c.3158A>G (p.Asn1053Ser)

Gene: ADNP (activity dependent neuroprotector homeobox; minus strand). Cytogenetic location: 20q13.13.
Variant type: single nucleotide variant.
Coding change: c.3158A>G on transcript NM_001282531.3 (MANE Select); coding-DNA position 3158, A replaced by G.
Protein change: p.Asn1053Ser; replaces asparagine 1053 with serine.
Molecular consequence: missense variant.
Genome position (GRCh38, 1-based): chr20:50,891,556, T>C on the plus strand (A>G on the coding strand, the complement: ADNP is on the minus strand). VCF-style: chr20-50891556-T-C. GRCh37 (hg19) VCF-style: chr20-49508093-T-C.
Other names: c.3158A>G, p.Asn1053Ser (NM_001282532.2, NM_001347511.2, NM_015339.5 and 1 more transcripts); c.3374A>G, p.Asn1125Ser (NM_001439000.1); c.2474A>G, p.Asn825Ser (NM_001439001.1); short protein forms N1053S, N1125S, N825S.
Identifiers: ClinVar variation 4875197 (VCV004875197.2).
Genomic context (GRCh38, chr20:50,891,556, plus strand): 5'-TCCTCACTGTCAATTGTGCTATTCTGCCACTCAATCTGGGGGTTAGATAAGCGCTCATCA[T>C]TCTCAGATGCATTCTTCCACTGTGACTGGTCCTTAGACCAAAACCCTTCAACTTTTCCAT-3'
Protein context (NP_001269460.1, residues 1043-1063): DQSQWKNASE[Asn1053Ser]DERLSNPQIE